The following is an entry in ClinVar:

NM_001170629.2(CHD8):c.2624A>T (p.Glu875Val)

Gene: CHD8 (chromodomain helicase DNA binding protein 8; minus strand). Cytogenetic location: 14q11.2.
Variant type: single nucleotide variant.
Coding change: c.2624A>T on transcript NM_001170629.2 (MANE Select); coding-DNA position 2624, A replaced by T.
Protein change: p.Glu875Val; replaces glutamic acid 875 with valine.
Molecular consequence: missense variant.
Genome position (GRCh38, 1-based): chr14:21,408,418, T>A on the plus strand (A>T on the coding strand, the complement: CHD8 is on the minus strand). VCF-style: chr14-21408418-T-A. GRCh37 (hg19) VCF-style: chr14-21876577-T-A.
Other names: c.1787A>T, p.Glu596Val (NM_020920.4); short protein forms E596V, E875V.
Identifiers: ClinVar variation 3340798 (VCV003340798.1).
Genomic context (GRCh38, chr14:21,408,418, plus strand): 5'-CTGGCCAGACTGCCATGGTACACAATAGTGTTCATTTCTGTCCATGTATTAAATTCTCGC[T>A]CCCAGTTAGTAATTGTGGACAGTGGGGCAATGACCAAGAAGGGACCATGGATGCCCACAT-3'
Protein context (NP_001164100.1, residues 865-885): IAPLSTITNW[Glu875Val]REFNTWTEMN

ClinVar aggregate classification (germline): Uncertain significance (1 of 4 stars; one submission).

Submission:

GeneDx
Classification: Uncertain significance. Last evaluated: 2024-01-21. Review status: criteria provided, single submitter. Criteria: GeneDx Variant Classification Process June 2021. Collection method: clinical testing. Allele origin: germline. Affected: yes.
Comment: Not observed at significant frequency in large population cohorts (gnomAD); In silico analysis supports that this missense variant has a deleterious effect on protein structure/function; Has not been previously published as pathogenic or benign to our knowledge